The following is an entry in ClinVar:

ClinVar aggregate classification (germline): Uncertain significance (1 of 4 stars; one submission).

Conditions:
Granulomatous disease, chronic, X-linked. Also called: CYTOCHROME b-NEGATIVE GRANULOMATOUS DISEASE, CHRONIC, X-LINKED; GRANULOMATOUS DISEASE, CHRONIC, X-LINKED, SOMATIC MOSAIC. Identifiers: Orphanet 379, MedGen C1844376, MONDO:0010600, OMIM 306400.

Allele frequency attached by ClinVar (database versions not stated): ExAC 0.00001; gnomAD 0.00001; gnomAD exomes 0.00001 and 0.00002.
gnomAD v4.1: 17 of 1,209,552 alleles (0.0014%); highest among the groups gnomAD compares: Non-Finnish European, 0.0019%; no homozygotes.

Submission:

Labcorp Genetics (formerly Invitae), Labcorp
Classification: Uncertain significance for Granulomatous disease, chronic, X-linked. Last evaluated: 2024-01-25. Review status: criteria provided, single submitter. Criteria: Invitae Variant Classification Sherloc (09022015). Collection method: clinical testing. Allele origin: germline.
Comment: This sequence change replaces threonine, which is neutral and polar, with isoleucine, which is neutral and non-polar, at codon 432 of the CYBB protein (p.Thr432Ile). This variant is present in population databases (rs782510554, gnomAD 0.001%). This variant has not been reported in the literature in individuals affected with CYBB-related conditions. ClinVar contains an entry for this variant (Variation ID: 1507336). Advanced modeling of protein sequence and biophysical properties (such as structural, functional, and spatial information, amino acid conservation, physicochemical variation, residue mobility, and thermodynamic stability) performed at Invitae indicates that this missense variant is not expected to disrupt CYBB protein function with a negative predictive value of 80%. In summary, the available evidence is currently insufficient to determine the role of this variant in disease. Therefore, it has been classified as a Variant of Uncertain Significance.

NM_000397.4(CYBB):c.1295C>T (p.Thr432Ile)

Gene: CYBB (cytochrome b-245 beta chain; plus strand). Cytogenetic location: Xp11.4.
Variant type: single nucleotide variant.
Coding change: c.1295C>T on transcript NM_000397.4 (MANE Select); coding-DNA position 1295, C replaced by T.
Protein change: p.Thr432Ile; replaces threonine 432 with isoleucine.
Molecular consequence: missense variant.
Genome position (GRCh38, 1-based): chrX:37,805,149, C>T. VCF-style: chrX-37805149-C-T. GRCh37 (hg19) VCF-style: chrX-37664402-C-T.
Other names: short protein forms T432I.
Identifiers: ClinVar variation 1507336 (VCV001507336.8), dbSNP rs782510554, ClinGen allele CA10383856.
Genomic context (GRCh38, chrX:37,805,149, plus strand): 5'-GGGTCACACCCTTCGCATCCATTCTCAAGTCAGTCTGGTACAAATATTGCAATAACGCCA[C>T]CAATCTGAAGCTCAAAAAGGTAAGTCCTTTCATTTATCGGAGGGCCTTAGAGCAGTAACC-3'
Protein context (NP_000388.2, residues 422-442): SVWYKYCNNA[Thr432Ile]NLKLKKIYFY